The following is an entry in ClinVar:

7q31.1-q31.3, 14.8 Mb deletion

Gene: FOXP2 (forkhead box P2; plus strand). Cytogenetic location: 7q31.1.
Variant type: Deletion.
Identifiers: ClinVar variation 242959 (VCV000242959.2).

ClinVar aggregate classification (germline): Pathogenic (0 of 4 stars; one submission).

Conditions:
Childhood apraxia of speech (SPCH1). Also called: Speech language disorder; DEVELOPMENTAL VERBAL DYSPRAXIA; SPEECH AND LANGUAGE DISORDER WITH OROFACIAL DYSPRAXIA; FOXP2-Related Speech and Language Disorder. Identifiers: Orphanet 209908, MedGen C0750927, MONDO:0011184, OMIM 602081.

Submission:

GeneReviews
Classification: Pathogenic for Childhood apraxia of speech. Last evaluated: 2016-03-02. Review status: no assertion criteria provided. Collection method: literature only. Allele origin: germline. Affected: yes. Observed: 1 variant allele.
Comment: Speech: CAS Language: Impaired expressive &receptive Cognition: Borderline IQ Other: Fine praxis & balance problems

Literature cited by the submitters: PubMed 22106036.